The following is an entry in ClinVar:

ClinVar aggregate classification (germline): Benign/Likely benign. Review status: criteria provided, multiple submitters, no conflicts (2 of 4 stars). 7 submissions from 7 submitters: Benign (1); Likely benign (6). Last evaluated 2026-07-09.

Conditions:
SMARCA4-related disorder. Also called: SMARCA4-related condition.
Hereditary cancer-predisposing syndrome. Also called: Hereditary Cancer Syndrome; Tumor predisposition; Hereditary neoplastic syndrome; Neoplastic Syndromes, Hereditary. Identifiers: Orphanet 140162, MedGen C0027672, MeSH D009386, MONDO:0015356.
Rhabdoid tumor predisposition syndrome 2 (RTPS2). Identifiers: Orphanet 231108, Orphanet 69077, MedGen C2750074, MONDO:0013224, OMIM 613325.

Allele frequency attached by ClinVar (database versions not stated): TOPMed 0.00002; gnomAD exomes 0.00006; ExAC 0.00007; ESP Exome Variant Server 0.00008; gnomAD 0.00003.
gnomAD v4.1: 82 of 1,614,010 alleles (0.0051%); highest among the groups gnomAD compares: Non-Finnish European, 0.0061%; no homozygotes.

Submissions (7):

Myriad Genetics, Inc.
Classification: Benign for Rhabdoid tumor predisposition syndrome 2. Last evaluated: 2026-07-09. Review status: criteria provided, single submitter. Criteria: Myriad Autosomal Dominant, Autosomal Recessive and X-Linked Classification Criteria (2023). Collection method: clinical testing. Allele origin: unknown.
Comment: This variant is considered benign. This variant is a silent/synonymous amino acid change and it is not expected to impact splicing.

CeGaT Center for Human Genetics Tuebingen
Classification: Likely benign. Last evaluated: 2026-02-01. Review status: criteria provided, single submitter. Criteria: CeGaT Center For Human Genetics Tuebingen Variant Classification Criteria Version 2. Collection method: clinical testing. Allele origin: germline. Affected: yes. Observed: 1 variant allele.
Comment: SMARCA4: BP4, BP7

Labcorp Genetics (formerly Invitae), Labcorp
Classification: Likely benign for Rhabdoid tumor predisposition syndrome 2. Last evaluated: 2026-01-04. Review status: criteria provided, single submitter. Criteria: Invitae Variant Classification Sherloc (09022015). Collection method: clinical testing. Allele origin: germline.

PreventionGenetics, part of Exact Sciences
Classification: Likely benign for SMARCA4-related condition. Last evaluated: 2025-07-21. Review status: criteria provided, single submitter. Criteria: ACMG Guidelines, 2015. Collection method: clinical testing. Allele origin: germline.
Comment: This variant is classified as likely benign based on ACMG/AMP sequence variant interpretation guidelines (Richards et al. 2015 PMID: 25741868, with internal and published modifications).

Quest Diagnostics Nichols Institute San Juan Capistrano
Classification: Likely benign. Last evaluated: 2025-02-05. Review status: criteria provided, single submitter. Criteria: Quest Diagnostics criteria. Collection method: clinical testing. Allele origin: unknown.

Sema4
Classification: Likely benign for Hereditary cancer-predisposing syndrome. Last evaluated: 2021-11-14. Review status: criteria provided, single submitter. Criteria: Sema4 Curation Guidelines. Collection method: curation. Allele origin: germline.

Ambry Genetics
Classification: Likely benign for Hereditary cancer-predisposing syndrome. Last evaluated: 2016-03-24. Review status: criteria provided, single submitter. Criteria: Ambry Variant Classification Scheme 2023. Collection method: clinical testing. Allele origin: germline.

NM_003072.5(SMARCA4):c.1134C>T (p.Ile378=)

Gene: SMARCA4 (SWI/SNF related BAF chromatin remodeling complex subunit ATPase 4; plus strand). Cytogenetic location: 19p13.2.
Variant type: single nucleotide variant.
Coding change: c.1134C>T on transcript NM_003072.5 (MANE Select); coding-DNA position 1134, C replaced by T.
Protein change: p.Ile378=; no amino-acid change (isoleucine 378 retained).
Molecular consequence: synonymous variant. On other transcripts: non-coding transcript variant (1).
Genome position (GRCh38, 1-based): chr19:10,989,332, C>T. VCF-style: chr19-10989332-C-T. GRCh37 (hg19) VCF-style: chr19-11100008-C-T.
Other names: c.1134C>T, p.Ile378= (NM_001128844.3, NM_001128845.2, NM_001128846.2 and 5 more transcripts).
Identifiers: ClinVar variation 238366 (VCV000238366.23), dbSNP rs372803010, ClinGen allele CA9203705.
Genomic context (GRCh38, chr19:10,989,332, plus strand): 5'-CCTGGCAACCCTCTCACCGCCTTTGCTCCTTGTCTCTGCTCCCAGGCTGCAGGCTCGCAT[C>T]GCACACCGAATTCAGGAACTTGAAAACCTTCCCGGGTCCCTGGCCGGGGATTTGCGAACC-3'
Protein context (NP_003063.2, residues 368-388): QEREYRLQAR[Ile378=]AHRIQELENL